The following is an entry in ClinVar:

ClinVar aggregate classification (germline): Likely benign. Review status: criteria provided, multiple submitters, no conflicts (2 of 4 stars). 2 submissions from 2 submitters: Likely benign (2). Last evaluated 2025-11-10.

Conditions:
Neuronal ceroid lipofuscinosis 1 (CLN1). Also called: CEROID LIPOFUSCINOSIS, NEURONAL, 1, VARIABLE AGE AT ONSET; PPT1-Related Neuronal Ceroid-Lipofuscinosis. Identifiers: Orphanet 228329, MedGen C1850451, MONDO:0009744, OMIM 256730.

Allele frequency attached by ClinVar (database versions not stated): 1000 Genomes Project 30x 0.00016; 1000 Genomes Project 0.00020.
gnomAD v4.1: 8 of 1,614,054 alleles (0.0005%); highest among the groups gnomAD compares: African/African-American, 0.004%; no homozygotes.

Submissions (2):

Labcorp Genetics (formerly Invitae), Labcorp
Classification: Likely benign for Neuronal ceroid lipofuscinosis 1. Last evaluated: 2025-11-10. Review status: criteria provided, single submitter. Criteria: Invitae Variant Classification Sherloc (09022015). Collection method: clinical testing. Allele origin: germline.

GeneDx
Classification: Likely benign. Last evaluated: 2016-01-28. Review status: criteria provided, single submitter. Criteria: GeneDx Variant Classification (06012015). Collection method: clinical testing. Allele origin: germline. Affected: yes.
Comment: This variant is considered likely benign or benign based on one or more of the following criteria: it is a conservative change, it occurs at a poorly conserved position in the protein, it is predicted to be benign by multiple in silico algorithms, and/or has population frequency not consistent with disease.

NM_000310.4(PPT1):c.474C>T (p.His158=)

Gene: PPT1 (palmitoyl-protein thioesterase 1; minus strand). Cytogenetic location: 1p34.2.
Variant type: single nucleotide variant.
Coding change: c.474C>T on transcript NM_000310.4 (MANE Select); coding-DNA position 474, C replaced by T.
Protein change: p.His158=; no amino-acid change (histidine 158 retained).
Molecular consequence: synonymous variant.
Genome position (GRCh38, 1-based): chr1:40,089,472, G>A on the plus strand (C>T on the coding strand, the complement: PPT1 is on the minus strand). VCF-style: chr1-40089472-G-A. GRCh37 (hg19) VCF-style: chr1-40555144-G-A.
Other names: c.165C>T, p.His55= (NM_001142604.2); c.474C>T, p.His158= (NM_001363695.2).
Identifiers: ClinVar variation 383262 (VCV000383262.4), dbSNP rs549251715, ClinGen allele CA789679.